The following is an entry in ClinVar:

ClinVar aggregate classification (germline): Conflicting classifications of pathogenicity. Review status: criteria provided, conflicting classifications (1 of 4 stars). 3 submissions from 3 submitters: Uncertain significance (1); Likely benign (2). Last evaluated 2025-07-19.

Conditions:
Breast-ovarian cancer, familial, susceptibility to, 3. Also called: RAD51C-Related Breast/Ovarian Cancer. Identifiers: Orphanet 145, MedGen C3150659, MONDO:0013253, OMIM 613399.
Hereditary cancer-predisposing syndrome. Also called: Tumor predisposition; Neoplastic Syndromes, Hereditary; Hereditary Cancer Syndrome; Hereditary neoplastic syndrome. Identifiers: Orphanet 140162, MedGen C0027672, MeSH D009386, MONDO:0015356.
Fanconi anemia complementation group O. Also called: RAD51C-Related Fanconi Anemia. Identifiers: Orphanet 84, MedGen C3150653, MONDO:0013248, OMIM 613390.

Allele frequency attached by ClinVar (database versions not stated): gnomAD exomes below 0.00001; ExAC 0.00001.
gnomAD v4.1: 1 of 1,613,720 alleles (0.000062%); highest among the groups gnomAD compares: Non-Finnish European, 0.000085%; no homozygotes.

Submissions (3):

Labcorp Genetics (formerly Invitae), Labcorp
Classification: Likely benign for Fanconi anemia complementation group O. Last evaluated: 2025-07-19. Review status: criteria provided, single submitter. Criteria: Invitae Variant Classification Sherloc (09022015). Collection method: clinical testing. Allele origin: germline.

Myriad Genetics, Inc.
Classification: Likely benign for Breast-ovarian cancer, familial, susceptibility to, 3. Last evaluated: 2025-02-18. Review status: criteria provided, single submitter. Criteria: Myriad Autosomal Dominant, Autosomal Recessive and X-Linked Classification Criteria (2023). Collection method: clinical testing. Allele origin: unknown.
Comment: This variant is considered likely benign. This variant is intronic and is not expected to impact mRNA splicing.

Color Diagnostics, LLC DBA Color Health
Classification: Uncertain significance for Hereditary cancer-predisposing syndrome. Last evaluated: 2019-06-27. Review status: criteria provided, single submitter. Criteria: ACMG Guidelines, 2015. Collection method: clinical testing. Allele origin: germline.

NM_058216.3(RAD51C):c.571+9G>C

Gene: RAD51C (RAD51 paralog C; plus strand). Cytogenetic location: 17q22.
Variant type: single nucleotide variant.
Coding change: c.571+9G>C on transcript NM_058216.3 (MANE Select); 9 bases into the intron after coding-DNA position 571, G replaced by C.
Molecular consequence: intron variant.
Genome position (GRCh38, 1-based): chr17:58,696,868, G>C. VCF-style: chr17-58696868-G-C. GRCh37 (hg19) VCF-style: chr17-56774229-G-C.
Identifiers: ClinVar variation 492374 (VCV000492374.16), dbSNP rs776730538, ClinGen allele CA8677260.
Genomic context (GRCh38, chr17:58,696,868, plus strand): 5'-ACTGCCTGCATTCAGCACCTTCAGCTTATAGCAGAAAAACACAAGGGAGAGGGTAAGTTA[G>C]TAAATGATCTTCTTTTTTTCTGTATTAATAAAAGTAATTTGCATTTGTGCCCATCTGAGA-3'